The following is an entry in ClinVar:

NM_004415.4(DSP):c.5688_5690del (p.Arg1896del)

Gene: DSP (desmoplakin; plus strand). Cytogenetic location: 6p24.3.
Variant type: Deletion.
Coding change: c.5688_5690del on transcript NM_004415.4 (MANE Select); coding-DNA positions 5688 to 5690, 3 bases deleted (GAG; older notation c.5688_5690delGAG).
Protein change: p.Arg1896del; deletes arginine 1896.
Molecular consequence: inframe deletion.
Genome position (GRCh38, 1-based): chr6:7,582,950-7,582,952, GAG deleted; deleting any 3 consecutive bases within chr6:7,582,948-7,582,952 gives the same sequence; the c. name uses the placement nearest the transcript's 3' end. VCF-style (leftmost placement, unchanged base first): chr6-7582947-TAGG-T. GRCh37 (hg19) VCF-style: chr6-7583180-TAGG-T.
Other names: c.5688_5690delGAG (NM_004415.2); c.3891_3893del, p.Arg1297del (NM_001008844.3); c.4359_4361del, p.Arg1453del (NM_001319034.2); short protein forms R1453del, R1297del, R1896del.
Identifiers: ClinVar variation 938798 (VCV000938798.12), dbSNP rs1561701244, ClinGen allele CA565358151.

ClinVar aggregate classification (germline): Uncertain significance. Review status: criteria provided, multiple submitters, no conflicts (2 of 4 stars). 3 submissions from 3 submitters: Uncertain significance (3). Last evaluated 2025-11-22.

Conditions:
Cardiomyopathy (CMYO). Also called: Cardiomyopathies. Identifiers: Orphanet 167848, MedGen C0878544, MONDO:0004994, HP:0001638. Inheritance: Various modes of inheritance.
Arrhythmogenic right ventricular dysplasia 8 (ARVD8). Also called: ARRHYTHMOGENIC RIGHT VENTRICULAR DYSPLASIA, FAMILIAL, 8; ARRHYTHMOGENIC RIGHT VENTRICULAR CARDIOMYOPATHY 8; Arrhythmogenic Right Ventricular Dysplasia/Cardiomyopathy 8. Identifiers: MedGen C1843896, MONDO:0011831, OMIM 607450.
Arrhythmogenic cardiomyopathy with wooly hair and keratoderma. Also called: Carvajal syndrome; Dilated cardiomyopathy with woolly hair and keratoderma; PALMOPLANTAR KERATODERMA WITH LEFT VENTRICULAR CARDIOMYOPATHY AND WOOLLY HAIR; Arrhythmogenic cardiomyopathy with woolly hair and keratoderma. Identifiers: Orphanet 65282, MedGen C1854063, MONDO:0011581, OMIM 605676.
Cardiovascular phenotype. Identifiers: MedGen CN230736.

Submissions (3):

Labcorp Genetics (formerly Invitae), Labcorp
Classification: Uncertain significance for Arrhythmogenic cardiomyopathy with wooly hair and keratoderma; Arrhythmogenic right ventricular dysplasia 8. Last evaluated: 2025-11-22. Review status: criteria provided, single submitter. Criteria: Invitae Variant Classification Sherloc (09022015). Collection method: clinical testing. Allele origin: germline.
Comment: This variant, c.5688_5690del, results in the deletion of 1 amino acid(s) of the DSP protein (p.Arg1896del), but otherwise preserves the integrity of the reading frame. This variant is present in population databases (no rsID available, gnomAD 0.007%). This variant has not been reported in the literature in individuals affected with DSP-related conditions. ClinVar contains an entry for this variant (Variation ID: 938798). Experimental studies and prediction algorithms are not available or were not evaluated, and the functional significance of this variant is currently unknown. In summary, the available evidence is currently insufficient to determine the role of this variant in disease. Therefore, it has been classified as a Variant of Uncertain Significance.

Color Diagnostics, LLC DBA Color Health
Classification: Uncertain significance for Cardiomyopathy. Last evaluated: 2025-11-11. Review status: criteria provided, single submitter. Criteria: ACMG Guidelines, 2015. Collection method: clinical testing. Allele origin: germline.
Comment: This variant causes a deletion of one amino acid at codon 1896 in the DSP protein. To our knowledge, functional studies have not been reported for this variant. This variant has not been reported in individuals affected with DSP-related disorders in the literature. This variant has been identified in 5/1613776 chromosomes in the general population by the Genome Aggregation Database (gnomAD). The available evidence is insufficient to determine the role of this variant in disease conclusively. Therefore, this variant is classified as a Variant of Uncertain Significance.

Ambry Genetics
Classification: Uncertain significance for Cardiovascular phenotype. Last evaluated: 2024-08-29. Review status: criteria provided, single submitter. Criteria: Ambry Variant Classification Scheme 2023. Collection method: clinical testing. Allele origin: germline.
Comment: The c.5688_5690delGAG variant (also known as p.R1896del), located in coding exon 24 of the DSP gene, results from an in-frame GAG deletion at nucleotide positions 5688 to 5690. This results in the in-frame deletion of an arginine at codon 1896. This amino acid position is not well conserved in available vertebrate species. In addition, the in silico prediction for this alteration is inconclusive (Choi Y et al. PLoS ONE. 2012; 7(10):e46688). Based on the available evidence, the clinical significance of this variant remains unclear.